The following is an entry in ClinVar:

NM_001958.5(EEF1A2):c.145-38C>T

Gene: EEF1A2 (eukaryotic translation elongation factor 1 alpha 2; minus strand). Cytogenetic location: 20q13.33.
Variant type: single nucleotide variant.
Coding change: c.145-38C>T on transcript NM_001958.5 (MANE Select); 38 bases into the intron before coding-DNA position 145, C replaced by T.
Molecular consequence: intron variant.
Genome position (GRCh38, 1-based): chr20:63,496,073, G>A on the plus strand (C>T on the coding strand, the complement: EEF1A2 is on the minus strand). VCF-style: chr20-63496073-G-A. GRCh37 (hg19) VCF-style: chr20-62127426-G-A.
Identifiers: ClinVar variation 1221651 (VCV001221651.28), dbSNP rs139997641, ClinGen allele CA9959182.

ClinVar aggregate classification (germline): Benign. Review status: criteria provided, multiple submitters, no conflicts (2 of 4 stars). 3 submissions from 3 submitters: Benign (3). Last evaluated 2022-10-01.

Allele frequency attached by ClinVar (database versions not stated): ExAC 0.00024; gnomAD exomes 0.00035; ESP Exome Variant Server 0.00038; gnomAD 0.00071 and 0.00072; 1000 Genomes Project 0.00140; TOPMed 0.00080; 1000 Genomes Project 30x 0.00125.
gnomAD v4.1: 543 of 1,607,280 alleles (0.034%); highest among the groups gnomAD compares: Middle Eastern, 0.27%; 5 homozygotes.

Submissions (3):

CeGaT Center for Human Genetics Tuebingen
Classification: Benign. Last evaluated: 2022-10-01. Review status: criteria provided, single submitter. Criteria: CeGaT Center For Human Genetics Tuebingen Variant Classification Criteria Version 2. Collection method: clinical testing. Allele origin: germline. Affected: yes. Observed: 1 variant allele.
Comment: EEF1A2: BS1, BS2

GeneDx
Classification: Benign. Last evaluated: 2021-04-20. Review status: criteria provided, single submitter. Criteria: GeneDx Variant Classification Process June 2021. Collection method: clinical testing. Allele origin: germline. Affected: yes.

Breakthrough Genomics
Classification: Benign. Review status: criteria provided, single submitter. Criteria: ACMG Guidelines, 2015. Collection method: not provided. Allele origin: germline. Inheritance: Autosomal dominant inheritance. Affected: yes.